The following is an entry in ClinVar:

NM_000257.4(MYH7):c.3267T>G (p.Ala1089=)

Gene: MYH7 (myosin heavy chain 7; minus strand). Cytogenetic location: 14q11.2.
Variant type: single nucleotide variant.
Coding change: c.3267T>G on transcript NM_000257.4 (MANE Select); coding-DNA position 3267, T replaced by G.
Protein change: p.Ala1089=; no amino-acid change (alanine 1089 retained).
Molecular consequence: synonymous variant.
Genome position (GRCh38, 1-based): chr14:23,421,027, A>C on the plus strand (T>G on the coding strand, the complement: MYH7 is on the minus strand). VCF-style: chr14-23421027-A-C. GRCh37 (hg19) VCF-style: chr14-23890236-A-C.
Identifiers: ClinVar variation 807092 (VCV000807092.26), dbSNP rs1456297955, ClinGen allele CA485621464.
Genomic context (GRCh38, chr14:23,421,027, plus strand): 5'-CTTGAGCTTCTTCTGCAGCTGGCTGCCGAGGGCCTGTTCATCCTCAATCCTTGCGTTGAG[A>C]GCATTCAGCTCAAAGTCTTTTCTGTGGGGAAGGAGGGATGGTGAGGTAAGGGAGACTCGT-3'
Protein context (NP_000248.2, residues 1079-1099): RLKKKDFELN[Ala1089=]LNARIEDEQA

ClinVar aggregate classification (germline): Likely benign. Review status: criteria provided, multiple submitters, no conflicts (2 of 4 stars). 5 submissions from 5 submitters: Likely benign (5). Last evaluated 2025-08-02.

Conditions:
Cardiomyopathy (CMYO). Also called: Cardiomyopathies. Identifiers: Orphanet 167848, MedGen C0878544, MONDO:0004994, HP:0001638. Inheritance: Various modes of inheritance.
Cardiovascular phenotype. Identifiers: MedGen CN230736.
Hypertrophic cardiomyopathy. Also called: HYPERTROPHIC MYOCARDIOPATHY. Identifiers: Orphanet 217569, MedGen C0007194, MeSH D002312, MONDO:0005045, HP:0001639.

Allele frequency attached by ClinVar (database versions not stated): TOPMed below 0.00001.

Submissions (5):

Labcorp Genetics (formerly Invitae), Labcorp
Classification: Likely benign for Hypertrophic cardiomyopathy. Last evaluated: 2025-08-02. Review status: criteria provided, single submitter. Criteria: Invitae Variant Classification Sherloc (09022015). Collection method: clinical testing. Allele origin: germline.

All of Us Research Program, National Institutes of Health
Classification: Likely benign for Cardiomyopathy. Last evaluated: 2023-10-02. Review status: criteria provided, single submitter. Criteria: ACMG Guidelines, 2015. Collection method: clinical testing. Allele origin: germline. Inheritance: Autosomal dominant inheritance. Observed: 2 variant alleles, 2 heterozygotes.
Comment: This study involves interpretation of variants in research participants for the purpose of population health screening. Participant phenotype was not available at the time of variant classification. Additional details can be found in publication PMID: 35346344, PMCID: PMC8962531

Ambry Genetics
Classification: Likely benign for Cardiovascular phenotype. Last evaluated: 2023-05-03. Review status: criteria provided, single submitter. Criteria: Ambry Variant Classification Scheme 2023. Collection method: clinical testing. Allele origin: germline.

Blueprint Genetics
Classification: Likely benign. Last evaluated: 2022-03-29. Review status: criteria provided, single submitter. Criteria: ACMG Guidelines, 2015. Collection method: clinical testing. Allele origin: germline.

Color Diagnostics, LLC DBA Color Health
Classification: Likely benign for Cardiomyopathy. Last evaluated: 2021-01-26. Review status: criteria provided, single submitter. Criteria: ACMG Guidelines, 2015. Collection method: clinical testing. Allele origin: germline.